The following is an entry in ClinVar:

NM_001080449.3(DNA2):c.2204G>T (p.Ser735Ile)

Gene: DNA2 (DNA replication helicase/nuclease 2; minus strand). Cytogenetic location: 10q21.3.
Variant type: single nucleotide variant.
Coding change: c.2204G>T on transcript NM_001080449.3 (MANE Select); coding-DNA position 2204, G replaced by T.
Protein change: p.Ser735Ile; replaces serine 735 with isoleucine.
Molecular consequence: missense variant. On other transcripts: non-coding transcript variant (1).
Genome position (GRCh38, 1-based): chr10:68,430,440, C>A on the plus strand (G>T on the coding strand, the complement: DNA2 is on the minus strand). VCF-style: chr10-68430440-C-A. GRCh37 (hg19) VCF-style: chr10-70190197-C-A.
Other names: short protein forms S735I.
Identifiers: ClinVar variation 2085414 (VCV002085414.4), dbSNP rs990660479, ClinGen allele CA376853422.
Genomic context (GRCh38, chr10:68,430,440, plus strand): 5'-CTCATTCTGGCTGTGGACATTAACTGTTAGTATTATTATACAATAATTGTGCTTACTTGA[C>A]TATTGTAGAGTTCTTCTAGAAGAGCTAAGGATTTAATGGACTTTGATCTGCAAATTTCTT-3'
Protein context (NP_001073918.2, residues 725-745): SLALLEELYN[Ser735Ile]QLIVATTCMG

ClinVar aggregate classification (germline): Uncertain significance (1 of 4 stars; one submission).

Submission:

Labcorp Genetics (formerly Invitae), Labcorp
Classification: Uncertain significance. Last evaluated: 2022-01-16. Review status: criteria provided, single submitter. Criteria: Invitae Variant Classification Sherloc (09022015). Collection method: clinical testing. Allele origin: germline.
Comment: In summary, the available evidence is currently insufficient to determine the role of this variant in disease. Therefore, it has been classified as a Variant of Uncertain Significance. Algorithms developed to predict the effect of missense changes on protein structure and function are either unavailable or do not agree on the potential impact of this missense change (SIFT: "Deleterious"; PolyPhen-2: "Not Available"; Align-GVGD: "Class C0"). This variant has not been reported in the literature in individuals affected with DNA2-related conditions. This variant is not present in population databases (gnomAD no frequency). This sequence change replaces serine, which is neutral and polar, with isoleucine, which is neutral and non-polar, at codon 735 of the DNA2 protein (p.Ser735Ile).